The following is an entry in ClinVar:

ClinVar aggregate classification (germline): Likely benign (0 of 4 stars; one submission).

Conditions:
ADCY6-related disorder. Also called: ADCY6-related condition.

Allele frequency attached by ClinVar (database versions not stated): 1000 Genomes Project 30x 0.00016; gnomAD 0.00031; ExAC 0.00043; gnomAD exomes 0.00023; 1000 Genomes Project 0.00020; ESP Exome Variant Server 0.00054.
gnomAD v4.1: 411 of 1,607,680 alleles (0.026%); highest among the groups gnomAD compares: East Asian, 0.16%; 2 homozygotes.

Submission:

PreventionGenetics, part of Exact Sciences
Classification: Likely benign for ADCY6-related condition. Last evaluated: 2019-10-29. Review status: no assertion criteria provided. Collection method: clinical testing. Allele origin: germline.
Comment: This variant is classified as likely benign based on ACMG/AMP sequence variant interpretation guidelines (Richards et al. 2015 PMID: 25741868, with internal and published modifications).

NM_015270.5(ADCY6):c.2793A>G (p.Thr931=)

Gene: ADCY6 (adenylate cyclase 6; minus strand). Cytogenetic location: 12q13.12.
Variant type: single nucleotide variant.
Coding change: c.2793A>G on transcript NM_015270.5 (MANE Select); coding-DNA position 2793, A replaced by G.
Protein change: p.Thr931=; no amino-acid change (threonine 931 retained).
Molecular consequence: synonymous variant. On other transcripts: non-coding transcript variant (1).
Genome position (GRCh38, 1-based): chr12:48,771,968, T>C on the plus strand (A>G on the coding strand, the complement: ADCY6 is on the minus strand). VCF-style: chr12-48771968-T-C. GRCh37 (hg19) VCF-style: chr12-49165751-T-C.
Other names: c.2634A>G, p.Thr878= (NM_001390830.1); c.2793A>G, p.Thr931= (NM_001390831.2, NM_001412819.1, NM_001412820.1 and 2 more transcripts).
Identifiers: ClinVar variation 3034402 (VCV003034402.2), dbSNP rs200640184, ClinGen allele CA6540836.